The following is an entry in ClinVar:

NM_001101426.4(CRPPA):c.1275T>A (p.Ser425Arg)

Genes: CRPPA (CDP-L-ribitol pyrophosphorylase A; minus strand), LOC129389757 (MPRA-validated peak6410 silencer; plus strand). Cytogenetic location: 7p21.2.
Variant type: single nucleotide variant.
Coding change: c.1275T>A on transcript NM_001101426.4 (MANE Select); coding-DNA position 1275, T replaced by A.
Protein change: p.Ser425Arg; replaces serine 425 with arginine.
Molecular consequence: missense variant. On other transcripts: non-coding transcript variant (1).
Genome position (GRCh38, 1-based): chr7:16,091,776, A>T on the plus strand (T>A on the coding strand, the complement: CRPPA is on the minus strand). VCF-style: chr7-16091776-A-T. GRCh37 (hg19) VCF-style: chr7-16131401-A-T.
Other names: c.1125T>A, p.Ser375Arg (NM_001101417.4); c.1170T>A, p.Ser390Arg (NM_001368197.1); short protein forms S375R, S390R, S425R.
Identifiers: ClinVar variation 1005277 (VCV001005277.9), dbSNP rs1781843424, ClinGen allele CA367000398.

ClinVar aggregate classification (germline): Uncertain significance (1 of 4 stars; one submission).

Conditions:
Muscular dystrophy-dystroglycanopathy (congenital with brain and eye anomalies), type A, 7. Also called: WALKER-WARBURG SYNDROME OR MUSCLE-EYE-BRAIN DISEASE, ISPD-RELATED; Congenital muscular dystrophy-dystroglycanopathy with brain and eye anomalies, type A7. Identifiers: Orphanet 899, MedGen C3553330, MONDO:0013835, OMIM 614643.
Autosomal recessive limb-girdle muscular dystrophy type 2U. Also called: Muscular dystrophy-dystroglycanopathy (limb-girdle), type c, 7; MUSCULAR DYSTROPHY, LIMB-GIRDLE, TYPE 2U. Identifiers: Orphanet 352479, MedGen C5190987, MONDO:0014474, OMIM 616052.

Submission:

Labcorp Genetics (formerly Invitae), Labcorp
Classification: Uncertain significance for Muscular dystrophy-dystroglycanopathy (congenital with brain and eye anomalies), type A, 7; Autosomal recessive limb-girdle muscular dystrophy type 2U. Last evaluated: 2020-08-23. Review status: criteria provided, single submitter. Criteria: Invitae Variant Classification Sherloc (09022015). Collection method: clinical testing. Allele origin: germline.
Comment: In summary, the available evidence is currently insufficient to determine the role of this variant in disease. Therefore, it has been classified as a Variant of Uncertain Significance. Algorithms developed to predict the effect of missense changes on protein structure and function are either unavailable or do not agree on the potential impact of this missense change (SIFT: "Deleterious"; PolyPhen-2: "Benign"; Align-GVGD: "Class C0"). This variant has not been reported in the literature in individuals with ISPD-related conditions. This variant is not present in population databases (ExAC no frequency). This sequence change replaces serine with arginine at codon 425 of the ISPD protein (p.Ser425Arg). The serine residue is moderately conserved and there is a moderate physicochemical difference between serine and arginine.